The following is an entry in ClinVar:

ClinVar aggregate classification (germline): Uncertain significance (1 of 4 stars; one submission).

Conditions:
Familial thoracic aortic aneurysm and aortic dissection (TAAD). Also called: Thoracic aortic aneurysms and dissections. Identifiers: Orphanet 91387, MedGen C4707243, MONDO:0019625.

gnomAD v4.1: 1 of 1,607,476 alleles (0.000062%); highest among the groups gnomAD compares: African/African-American, 0.0013%; no homozygotes.

Submission:

Ambry Genetics
Classification: Uncertain significance for Familial thoracic aortic aneurysm and aortic dissection. Last evaluated: 2024-08-31. Review status: criteria provided, single submitter. Criteria: Ambry Variant Classification Scheme 2023. Collection method: clinical testing. Allele origin: germline.
Comment: The p.L831F variant (also known as c.2491C>T), located in coding exon 15 of the MYLK gene, results from a C to T substitution at nucleotide position 2491. The leucine at codon 831 is replaced by phenylalanine, an amino acid with highly similar properties. This amino acid position is conserved. In addition, this alteration is predicted to be tolerated by in silico analysis. Based on the available evidence, the clinical significance of this variant remains unclear.

NM_053025.4(MYLK):c.2491C>T (p.Leu831Phe)

Gene: MYLK (myosin light chain kinase; minus strand). Cytogenetic location: 3q21.1.
Variant type: single nucleotide variant.
Coding change: c.2491C>T on transcript NM_053025.4 (MANE Select); coding-DNA position 2491, C replaced by T.
Protein change: p.Leu831Phe; replaces leucine 831 with phenylalanine.
Molecular consequence: missense variant.
Genome position (GRCh38, 1-based): chr3:123,700,977, G>A on the plus strand (C>T on the coding strand, the complement: MYLK is on the minus strand). VCF-style: chr3-123700977-G-A. GRCh37 (hg19) VCF-style: chr3-123419824-G-A.
Other names: c.1963C>T, p.Leu655Phe (NM_001321309.2); c.2284C>T, p.Leu762Phe (NM_053026.4, NM_053028.4); c.2491C>T, p.Leu831Phe (NM_053027.4); short protein forms L831F, L655F, L762F.
Identifiers: ClinVar variation 3401102 (VCV003401102.1).